The following is an entry in ClinVar:

NM_019842.4(KCNQ5):c.1757G>T (p.Ser586Ile)

Gene: KCNQ5 (potassium voltage-gated channel subfamily Q member 5; plus strand). Cytogenetic location: 6q13.
Variant type: single nucleotide variant.
Coding change: c.1757G>T on transcript NM_019842.4 (MANE Select); coding-DNA position 1757, G replaced by T.
Protein change: p.Ser586Ile; replaces serine 586 with isoleucine.
Molecular consequence: missense variant.
Genome position (GRCh38, 1-based): chr6:73,192,612, G>T. VCF-style: chr6-73192612-G-T. GRCh37 (hg19) VCF-style: chr6-73902335-G-T.
Other names: c.1730G>T, p.Ser577Ile (NM_001160130.2); c.1787G>T, p.Ser596Ile (NM_001160132.2); c.1814G>T, p.Ser605Ile (NM_001160133.2); c.1427G>T, p.Ser476Ile (NM_001160134.2); short protein forms S476I, S586I, S605I, S577I, S596I.
Identifiers: ClinVar variation 2817967 (VCV002817967.3), dbSNP rs774521029, ClinGen allele CA3887144.

ClinVar aggregate classification (germline): Uncertain significance (1 of 4 stars; one submission).

Allele frequency attached by ClinVar (database versions not stated): ExAC 0.00002.
gnomAD v4.1: 5 of 1,612,136 alleles (0.00031%); highest among the groups gnomAD compares: Non-Finnish European, 0.00042%; no homozygotes.

Submission:

Labcorp Genetics (formerly Invitae), Labcorp
Classification: Uncertain significance. Last evaluated: 2024-01-29. Review status: criteria provided, single submitter. Criteria: Invitae Variant Classification Sherloc (09022015). Collection method: clinical testing. Allele origin: germline.
Comment: This sequence change replaces serine, which is neutral and polar, with isoleucine, which is neutral and non-polar, at codon 605 of the KCNQ5 protein (p.Ser605Ile). This variant is present in population databases (rs774521029, gnomAD 0.004%). This variant has not been reported in the literature in individuals affected with KCNQ5-related conditions. Advanced modeling of protein sequence and biophysical properties (such as structural, functional, and spatial information, amino acid conservation, physicochemical variation, residue mobility, and thermodynamic stability) performed at Invitae indicates that this missense variant is not expected to disrupt KCNQ5 protein function with a negative predictive value of 80%. In summary, the available evidence is currently insufficient to determine the role of this variant in disease. Therefore, it has been classified as a Variant of Uncertain Significance.